The following is an entry in ClinVar:

NM_000302.4(PLOD1):c.910T>C (p.Phe304Leu)

Gene: PLOD1 (procollagen-lysine,2-oxoglutarate 5-dioxygenase 1; plus strand). Cytogenetic location: 1p36.22.
Variant type: single nucleotide variant.
Coding change: c.910T>C on transcript NM_000302.4 (MANE Select); coding-DNA position 910, T replaced by C.
Protein change: p.Phe304Leu; replaces phenylalanine 304 with leucine.
Molecular consequence: missense variant.
Genome position (GRCh38, 1-based): chr1:11,958,582, T>C. VCF-style: chr1-11958582-T-C. GRCh37 (hg19) VCF-style: chr1-12018639-T-C.
Other names: c.910T>C (NM_000302.3); c.1051T>C, p.Phe351Leu (NM_001316320.2); short protein forms F304L, F351L.
Identifiers: ClinVar variation 1484589 (VCV001484589.6), dbSNP rs760230526, ClinGen allele CA598194.

ClinVar aggregate classification (germline): Uncertain significance. Review status: criteria provided, multiple submitters, no conflicts (2 of 4 stars). 2 submissions from 2 submitters: Uncertain significance (2). Last evaluated 2025-09-12.

Conditions:
Familial thoracic aortic aneurysm and aortic dissection (TAAD). Also called: Thoracic aortic aneurysms and dissections. Identifiers: Orphanet 91387, MedGen C4707243, MONDO:0019625.
Ehlers-Danlos syndrome, kyphoscoliotic type 1 (EDSKSCL1). Also called: EHLERS-DANLOS SYNDROME, OCULAR-SCOLIOTIC TYPE; Ehlers-Danlos syndrome, hydroxylysine-deficient; EHLERS-DANLOS SYNDROME, TYPE VIA; PLOD1-Related Kyphoscoliotic Ehlers-Danlos Syndrome. Identifiers: Orphanet 1900, MedGen C0268342, MONDO:0016002, OMIM 225400. Disease mechanism: loss of function.

Allele frequency attached by ClinVar (database versions not stated): gnomAD exomes 0.00001 and 0.00002; ExAC 0.00003.
gnomAD v4.1: 7 of 1,614,146 alleles (0.00043%); highest among the groups gnomAD compares: Non-Finnish European, 0.00059%; no homozygotes.

Submissions (2):

Ambry Genetics
Classification: Uncertain significance for Familial thoracic aortic aneurysm and aortic dissection. Last evaluated: 2025-09-12. Review status: criteria provided, single submitter. Criteria: Ambry Variant Classification Scheme 2023. Collection method: clinical testing. Allele origin: germline.
Comment: The p.F304L variant (also known as c.910T>C), located in coding exon 9 of the PLOD1 gene, results from a T to C substitution at nucleotide position 910. The phenylalanine at codon 304 is replaced by leucine, an amino acid with highly similar properties. This amino acid position is conserved. In addition, this alteration is predicted to be deleterious by in silico analysis. Based on the available evidence, the clinical significance of this variant remains unclear.

Labcorp Genetics (formerly Invitae), Labcorp
Classification: Uncertain significance for Ehlers-Danlos syndrome, kyphoscoliotic type 1. Last evaluated: 2021-08-31. Review status: criteria provided, single submitter. Criteria: Invitae Variant Classification Sherloc (09022015). Collection method: clinical testing. Allele origin: germline.
Comment: This sequence change replaces phenylalanine with leucine at codon 304 of the PLOD1 protein (p.Phe304Leu). The phenylalanine residue is highly conserved and there is a small physicochemical difference between phenylalanine and leucine. This variant is present in population databases (rs760230526, ExAC 0.006%). This variant has not been reported in the literature in individuals affected with PLOD1-related conditions. Algorithms developed to predict the effect of missense changes on protein structure and function are either unavailable or do not agree on the potential impact of this missense change (SIFT: "Tolerated"; PolyPhen-2: "Possibly Damaging"; Align-GVGD: "Class C0"). In summary, the available evidence is currently insufficient to determine the role of this variant in disease. Therefore, it has been classified as a Variant of Uncertain Significance.